The following is an entry in ClinVar:

ClinVar aggregate classification (germline): Benign (1 of 4 stars; one submission).

Conditions:
Exudative vitreoretinopathy 5 (EVR5). Identifiers: Orphanet 891, MedGen C2750079, MONDO:0013218, OMIM 613310.

Allele frequency attached by ClinVar (database versions not stated): gnomAD exomes 0.00020 and 0.00052; ExAC 0.00021; ESP Exome Variant Server 0.00031; TOPMed 0.00032; gnomAD 0.00034 and 0.00035.

Submission:

Illumina Laboratory Services, Illumina
Classification: Benign for Exudative vitreoretinopathy 5. Last evaluated: 2018-01-12. Review status: criteria provided, single submitter. Criteria: ICSL Variant Classification Criteria 13 December 2019. Collection method: clinical testing. Allele origin: germline.
Comment: This variant was observed in the ICSL laboratory as part of a predisposition screen in an ostensibly healthy population. It had not been previously curated by ICSL or reported in the Human Gene Mutation Database (HGMD: prior to June 1st, 2018), and was therefore a candidate for classification through an automated scoring system. Utilizing variant allele frequency, disease prevalence and penetrance estimates, and inheritance mode, an automated score was calculated to assess if this variant is too frequent to cause the disease. Based on the score and internal cut-off values, a variant classified as benign is not then subjected to further curation. The score for this variant resulted in a classification of benign for this disease.

NM_012338.4(TSPAN12):c.-43G>A

Gene: TSPAN12 (tetraspanin 12; minus strand). Cytogenetic location: 7q31.31.
Variant type: single nucleotide variant.
Coding change: c.-43G>A on transcript NM_012338.4 (MANE Select); 43 bases upstream of the start codon, G replaced by A.
Molecular consequence: 5 prime UTR variant.
Genome position (GRCh38, 1-based): chr7:120,856,806, C>T on the plus strand (G>A on the coding strand, the complement: TSPAN12 is on the minus strand). VCF-style: chr7-120856806-C-T. GRCh37 (hg19) VCF-style: chr7-120496860-C-T.
Identifiers: ClinVar variation 358765 (VCV000358765.5), dbSNP rs377745738, ClinGen allele CA4454047.